The following is an entry in ClinVar:

ClinVar aggregate classification (germline): Pathogenic (1 of 4 stars; one submission).

Conditions:
Mucopolysaccharidosis, MPS-II (MPS2). Also called: Hunter Syndrome; IDURONATE 2-SULFATASE DEFICIENCY; Mucopolysaccharidosis Type II; Mucopolysaccharidosis type 2; Attenuated MPS (subtype; formerly known as mild MPS II); Severe MPS II. Identifiers: Orphanet 580, Orphanet 79388, MedGen C0026705, MONDO:0010674, OMIM 309900.

Submission:

Laboratory of Diagnosis and Therapy of Lysosomal Disorders, University of Padova
Classification: Pathogenic for Mucopolysaccharidosis, MPS-II. Last evaluated: 2024-06-07. Review status: criteria provided, single submitter. Criteria: ACMG Guidelines, 2015. Collection method: literature only. Allele origin: germline. Affected: yes. Observed: 1 variant allele.
Comment: Null variant (PVS1_VeryStrong), Absent from controls (or at low frequency) in gnomAD database (PM2_Moderate), Patient’s phenotype or family history highly specific for the disease (PP4_Strong)

Classification method: ACMG Guidelines [PMID:25741868] with modifications

Literature cited by the submitters: PubMed 33676511.

NM_000202.8(IDS):c.667_683del (p.Val223fs)

Genes: IDS (iduronate 2-sulfatase; minus strand), LOC106050102 (IDS recombination region; plus strand). Cytogenetic location: Xq28.
Variant type: Deletion.
Coding change: c.667_683del on transcript NM_000202.8 (MANE Select); coding-DNA positions 667 to 683, 17 bases deleted (GTTGGGTATCATAAGCC).
Protein change: p.Val223fs; shifts the reading frame from valine 223.
Molecular consequence: frameshift variant. On other transcripts: non-coding transcript variant (1).
Genome position (GRCh38, 1-based): chrX:149,498,132-149,498,148, GGCTTATGATACCCAAC deleted on the plus strand (GTTGGGTATCATAAGCC on the coding strand, the reverse complement: IDS is on the minus strand); deleting any 17 consecutive bases within chrX:149,498,132-149,498,151 gives the same sequence; the c. name uses the placement nearest the transcript's 3' end. VCF-style (leftmost placement, unchanged base first): chrX-149498131-TGGCTTATGATACCCAAC-T. GRCh37 (hg19) VCF-style: chrX-148579662-TGGCTTATGATACCCAAC-T.
Other names: c.397_413del, p.Val133fs (NM_001166550.4); c.667_683del, p.Val223fs (NM_006123.5); short protein forms V133fs, V223fs.
Identifiers: ClinVar variation 3255790 (VCV003255790.2).